The following is an entry in ClinVar:

ClinVar aggregate classification (germline): Uncertain significance. Review status: criteria provided, multiple submitters, no conflicts (2 of 4 stars). 2 submissions from 2 submitters: Uncertain significance (2). Last evaluated 2025-08-05.

Conditions:
Hereditary cancer-predisposing syndrome. Also called: Hereditary neoplastic syndrome; Neoplastic Syndromes, Hereditary; Tumor predisposition; Hereditary Cancer Syndrome. Identifiers: Orphanet 140162, MedGen C0027672, MeSH D009386, MONDO:0015356.
EGFR-related lung cancer (EGFR). Identifiers: MedGen CN130014.

Submissions (2):

Ambry Genetics
Classification: Uncertain significance for Hereditary cancer-predisposing syndrome. Last evaluated: 2025-08-05. Review status: criteria provided, single submitter. Criteria: Ambry Variant Classification Scheme 2023. Collection method: clinical testing. Allele origin: germline.
Comment: The c.2849-3C>T intronic variant results from a C to T substitution 3 nucleotides upstream from coding exon 24 in the EGFR gene. This nucleotide position is well conserved in available vertebrate species. In silico splice site analysis predicts that this alteration will not have any significant effect on splicing. Based on the available evidence, the clinical significance of this variant remains unclear.

Labcorp Genetics (formerly Invitae), Labcorp
Classification: Uncertain significance for EGFR-related lung cancer. Last evaluated: 2024-05-28. Review status: criteria provided, single submitter. Criteria: Invitae Variant Classification Sherloc (09022015). Collection method: clinical testing. Allele origin: germline.
Comment: This sequence change falls in intron 23 of the EGFR gene. It does not directly change the encoded amino acid sequence of the EGFR protein. It affects a nucleotide within the consensus splice site. This variant is not present in population databases (gnomAD no frequency). This variant has not been reported in the literature in individuals affected with EGFR-related conditions. ClinVar contains an entry for this variant (Variation ID: 1035613). Variants that disrupt the consensus splice site are a relatively common cause of aberrant splicing (PMID: 17576681, 9536098). Algorithms developed to predict the effect of sequence changes on RNA splicing suggest that this variant is not likely to affect RNA splicing. In summary, the available evidence is currently insufficient to determine the role of this variant in disease. Therefore, it has been classified as a Variant of Uncertain Significance.

Literature cited by the submitters: PubMed 17576681 (cited by Labcorp Genetics (formerly Invitae), Labcorp); PubMed 9536098 (cited by Labcorp Genetics (formerly Invitae), Labcorp).

NM_005228.5(EGFR):c.2849-3C>T

Gene: EGFR (epidermal growth factor receptor; plus strand). Cytogenetic location: 7p11.2.
Variant type: single nucleotide variant.
Coding change: c.2849-3C>T on transcript NM_005228.5 (MANE Select); 3 bases into the intron before coding-DNA position 2849, C replaced by T.
Molecular consequence: intron variant.
Genome position (GRCh38, 1-based): chr7:55,200,313, C>T. VCF-style: chr7-55200313-C-T. GRCh37 (hg19) VCF-style: chr7-55268006-C-T.
Other names: c.2849-3C>T (NM_005228.3, NM_001346898.2); c.2714-3C>T (NM_001346899.2, NM_001346897.2); c.2048-3C>T (NM_001346941.2); c.2690-3C>T (NM_001346900.2).
Identifiers: ClinVar variation 1035613 (VCV001035613.9), dbSNP rs1787789638, ClinGen allele CA454967905.